The following is an entry in ClinVar:

NM_006180.6(NTRK2):c.202A>T (p.Ile68Phe)

Gene: NTRK2 (neurotrophic receptor tyrosine kinase 2; plus strand). Cytogenetic location: 9q21.33.
Variant type: single nucleotide variant.
Coding change: c.202A>T on transcript NM_006180.6 (MANE Select); coding-DNA position 202, A replaced by T.
Protein change: p.Ile68Phe; replaces isoleucine 68 with phenylalanine.
Molecular consequence: missense variant.
Genome position (GRCh38, 1-based): chr9:84,670,950, A>T. VCF-style: chr9-84670950-A-T. GRCh37 (hg19) VCF-style: chr9-87285865-A-T.
Other names: c.202A>T, p.Ile68Phe (NM_001007097.3, NM_001018064.3, NM_001018065.2 and 19 more transcripts); short protein forms I68F.
Identifiers: ClinVar variation 2431500 (VCV002431500.1), dbSNP rs748182988, ClinGen allele CA374004953.

ClinVar aggregate classification (germline): Uncertain significance (1 of 4 stars; one submission).

Conditions:
Obesity, hyperphagia, and developmental delay (OBHD). Identifiers: Orphanet 99704, MedGen C3151303, MONDO:0013483, OMIM 613886.

Allele frequency attached by ClinVar (database versions not stated): TOPMed below 0.00001; gnomAD 0.00001.
gnomAD v4.1: 1 of 1,585,870 alleles (0.000063%); highest among the groups gnomAD compares: African/African-American, 0.0015%; no homozygotes.

Submission:

Laboratorio de Genetica e Diagnostico Molecular, Hospital Israelita Albert Einstein
Classification: Uncertain significance for Obesity, hyperphagia, and developmental delay. Last evaluated: 2022-03-15. Review status: criteria provided, single submitter. Criteria: ACMG Guidelines, 2015. Collection method: clinical testing. Allele origin: germline. Affected: yes. Observed: 1 variant allele.
Comment: ACMG classification criteria: PM2